The following is an entry in ClinVar:

NM_001267550.2(TTN):c.4134A>G (p.Lys1378=)

Genes: TTN (titin; minus strand), LOC101927055 (uncharacterized LOC101927055; plus strand). Cytogenetic location: 2q31.2.
Variant type: single nucleotide variant.
Coding change: c.4134A>G on transcript NM_001267550.2 (MANE Select); coding-DNA position 4134, A replaced by G.
Protein change: p.Lys1378=; no amino-acid change (lysine 1378 retained).
Molecular consequence: synonymous variant.
Genome position (GRCh38, 1-based): chr2:178,778,948, T>C on the plus strand (A>G on the coding strand, the complement: TTN is on the minus strand). VCF-style: chr2-178778948-T-C. GRCh37 (hg19) VCF-style: chr2-179643675-T-C.
Other names: c.4134A>G, p.Lys1378= (NM_001256850.1, NM_133378.4, NM_133379.5); c.3996A>G, p.Lys1332= (NM_003319.4, NM_133432.3, NM_133437.4).
Identifiers: ClinVar variation 1651679 (VCV001651679.10), dbSNP rs1230375831, ClinGen allele CA430108032.

ClinVar aggregate classification (germline): Likely benign. Review status: criteria provided, multiple submitters, no conflicts (2 of 4 stars). 3 submissions from 3 submitters: Likely benign (3). Last evaluated 2026-07-13.

Conditions:
Cardiovascular phenotype. Identifiers: MedGen CN230736.
Autosomal recessive limb-girdle muscular dystrophy type 2J (LGMDR10). Also called: MUSCULAR DYSTROPHY, LIMB-GIRDLE, AUTOSOMAL RECESSIVE 10; Limb-girdle muscular dystrophy, type 2J. Identifiers: Orphanet 140922, MedGen C1837342, MONDO:0012127, OMIM 608807.
Dilated cardiomyopathy 1G (CMD1G). Identifiers: Orphanet 154, MedGen C1858763, MONDO:0011400, OMIM 604145.
TTN-related disorder. Also called: TTN-related disorders; TTN-related condition; TTN-related disease.

Allele frequency attached by ClinVar (database versions not stated): gnomAD exomes below 0.00001.
gnomAD v4.1: 2 of 1,614,024 alleles (0.00012%); highest among the groups gnomAD compares: Admixed American, 0.0033%; no homozygotes.

Submissions (3):

Ambry Genetics
Classification: Likely benign for Cardiovascular phenotype. Last evaluated: 2026-07-13. Review status: criteria provided, single submitter. Criteria: Ambry Variant Classification Scheme 2023. Collection method: clinical testing. Allele origin: germline.

PreventionGenetics, part of Exact Sciences
Classification: Likely benign for TTN-related condition. Last evaluated: 2026-03-12. Review status: criteria provided, single submitter. Criteria: ACMG Guidelines, 2015. Collection method: clinical testing. Allele origin: germline.
Comment: This variant is classified as likely benign based on ACMG/AMP sequence variant interpretation guidelines (Richards et al. 2015 PMID: 25741868, with internal and published modifications).

Labcorp Genetics (formerly Invitae), Labcorp
Classification: Likely benign for Dilated cardiomyopathy 1G; Autosomal recessive limb-girdle muscular dystrophy type 2J. Last evaluated: 2025-10-10. Review status: criteria provided, single submitter. Criteria: Invitae Variant Classification Sherloc (09022015). Collection method: clinical testing. Allele origin: germline.